The following is an entry in ClinVar:

ClinVar aggregate classification (germline): Uncertain significance (1 of 4 stars; one submission).

Conditions:
Inborn genetic diseases. Identifiers: MedGen C0950123, MeSH D030342.

gnomAD v4.1: 1 of 1,612,816 alleles (0.000062%); highest among the groups gnomAD compares: Non-Finnish European, 0.000085%; no homozygotes.

Submission:

Ambry Genetics
Classification: Uncertain significance for Inborn genetic diseases. Last evaluated: 2025-08-11. Review status: criteria provided, single submitter. Criteria: Ambry Variant Classification Scheme 2023. Collection method: clinical testing. Allele origin: germline.
Comment: The p.A226T variant (also known as c.676G>A), located in coding exon 6 of the DNMT3A gene, results from a G to A substitution at nucleotide position 676. The alanine at codon 226 is replaced by threonine, an amino acid with similar properties. This amino acid position is conserved. In addition, the in silico prediction for this alteration is inconclusive. Based on the available evidence, the clinical significance of this variant remains unclear.

NM_022552.5(DNMT3A):c.676G>A (p.Ala226Thr)

Gene: DNMT3A (DNA methyltransferase 3 alpha; minus strand). Cytogenetic location: 2p23.3.
Variant type: single nucleotide variant.
Coding change: c.676G>A on transcript NM_022552.5 (MANE Select); coding-DNA position 676, G replaced by A.
Protein change: p.Ala226Thr; replaces alanine 226 with threonine.
Molecular consequence: missense variant. On other transcripts: non-coding transcript variant (1).
Genome position (GRCh38, 1-based): chr2:25,248,216, C>T on the plus strand (G>A on the coding strand, the complement: DNMT3A is on the minus strand). VCF-style: chr2-25248216-C-T. GRCh37 (hg19) VCF-style: chr2-25471085-C-T.
Other names: c.220G>A, p.Ala74Thr (NM_001320893.1); c.7G>A, p.Ala3Thr (NM_001375819.1); c.109G>A, p.Ala37Thr (NM_153759.3); c.676G>A, p.Ala226Thr (NM_175629.2); short protein forms A3T, A74T, A226T, A37T.
Identifiers: ClinVar variation 4243619 (VCV004243619.1).